The following is an entry in ClinVar:

NM_001040716.2(PC):c.2489G>A (p.Arg830His)

Gene: PC (pyruvate carboxylase; minus strand). Cytogenetic location: 11q13.2.
Variant type: single nucleotide variant.
Coding change: c.2489G>A on transcript NM_001040716.2 (MANE Select); coding-DNA position 2489, G replaced by A.
Protein change: p.Arg830His; replaces arginine 830 with histidine.
Molecular consequence: missense variant.
Genome position (GRCh38, 1-based): chr11:66,850,449, C>T on the plus strand (G>A on the coding strand, the complement: PC is on the minus strand). VCF-style: chr11-66850449-C-T. GRCh37 (hg19) VCF-style: chr11-66617920-C-T.
Other names: c.2489G>A, p.Arg830His (NM_000920.4, NM_022172.3); c.2489G>A (NM_000920.3); short protein forms R830H.
Identifiers: ClinVar variation 618261 (VCV000618261.15), dbSNP rs773519800, ClinGen allele CA6131047.
Genomic context (GRCh38, chr11:66,850,449, plus strand): 5'-CAGTCGAAGGCCGCGTACAGTCCCCGAGCCCCCTCCCAGTACTCACTGTAGTCAAACACG[C>T]GCTCCATGGGCACCTCTGCAGGGAGGCCAGAGTCAGAGGAGGCCTTAGAAATGTGTGACT-3'
Protein context (NP_001035806.1, residues 820-840): TPLDTEVPME[Arg830His]VFDYSEYWEG

ClinVar aggregate classification (germline): Conflicting classifications of pathogenicity. Review status: criteria provided, conflicting classifications (1 of 4 stars). 3 submissions from 3 submitters: Uncertain significance (2); Likely benign (1). Last evaluated 2025-05-27.

Conditions:
Inborn genetic diseases. Identifiers: MedGen C0950123, MeSH D030342.
Pyruvate carboxylase deficiency. Also called: LEIGH NECROTIZING ENCEPHALOPATHY DUE TO PYRUVATE CARBOXYLASE DEFICIENCY; LEIGH SYNDROME DUE TO PYRUVATE CARBOXYLASE DEFICIENCY; PC DEFICIENCY; ATAXIA WITH LACTIC ACIDOSIS II; Pyruvate Carboxylase Deficiency Disease. Identifiers: Orphanet 3008, MedGen C0034341, MONDO:0009949, OMIM 266150.

Allele frequency attached by ClinVar (database versions not stated): gnomAD exomes 0.00003 and 0.00009; gnomAD 0.00004; ExAC 0.00007; TOPMed 0.00008.
gnomAD v4.1: 49 of 1,613,812 alleles (0.003%); highest among the groups gnomAD compares: Admixed American, 0.037%; no homozygotes.

Submissions (3):

Labcorp Genetics (formerly Invitae), Labcorp
Classification: Likely benign for Pyruvate carboxylase deficiency. Last evaluated: 2025-05-27. Review status: criteria provided, single submitter. Criteria: Invitae Variant Classification Sherloc (09022015). Collection method: clinical testing. Allele origin: germline.

Ambry Genetics
Classification: Uncertain significance for Inborn genetic diseases. Last evaluated: 2024-03-14. Review status: criteria provided, single submitter. Criteria: Ambry Variant Classification Scheme 2023. Collection method: clinical testing. Allele origin: germline.

ARUP Laboratories, Molecular Genetics and Genomics, ARUP Laboratories
Classification: Uncertain significance. Last evaluated: 2017-11-21. Review status: criteria provided, single submitter. Criteria: ARUP Molecular Germline Variant Investigation Process. Collection method: clinical testing. Allele origin: germline.
Comment: The p.Arg830His variant (rs773519800) has not been reported in the medical literature, nor has it been previously identified in our laboratory. The p.Arg830His variant is listed in the Genome Aggregation Database (gnomAD) browser with an overall allele frequency of 0.0083% (identified in 23 out of 276,634 chromosomes). The arginine at codon 830 is moderately conserved considering 15 species (Alamut software v2.10.0), and computational analyses predict conflicting effects of this variant on protein structure/function (SIFT: tolerated, PolyPhen2: benign, MutationTaster: disease causing). Therefore, based on the available information, the clinical significance of the p.Arg830His variant cannot be determined with certainty.